The following is an entry in ClinVar:

ClinVar aggregate classification (germline): Uncertain significance (1 of 4 stars; one submission).

Conditions:
Spastic paraplegia. Identifiers: MedGen C0037772, HP:0001258.

Submission:

Labcorp Genetics (formerly Invitae), Labcorp
Classification: Uncertain significance for Spastic paraplegia. Last evaluated: 2018-09-07. Review status: criteria provided, single submitter. Criteria: Invitae Variant Classification Sherloc (09022015). Collection method: clinical testing. Allele origin: germline.
Comment: This variant, c.8388_8402del, results in the deletion of 6 amino acids of the SACS protein, combined with the insertion of 1 amino acid (p.Asp2796_Gln2801delinsGlu), but otherwise preserves the integrity of the reading frame. This variant is not present in population databases (ExAC no frequency). This variant has not been reported in the literature in individuals with SACS-related disease. Experimental studies and prediction algorithms are not available for this variant, and the functional significance of the affected amino acid(s) is currently unknown. The observation of one or more variants at this codon (p.Asp2796_Gln2801delinsGlu and p.Gln2801del) in affected individuals suggests that this may be a clinically significant residue (PMID: 18465152). In summary, the available evidence is currently insufficient to determine the role of this variant in disease. Therefore, it has been classified as a Variant of Uncertain Significance.

Literature cited by the submitters: PubMed 18465152.

NM_014363.6(SACS):c.8388_8402del (p.Asp2796_Gln2801delinsGlu)

Gene: SACS (sacsin molecular chaperone; minus strand). Cytogenetic location: 13q12.12.
Variant type: Deletion.
Coding change: c.8388_8402del on transcript NM_014363.6 (MANE Select); coding-DNA positions 8388 to 8402, 15 bases deleted (CATACCAGTTCAACA).
Protein change: p.Asp2796_Gln2801delinsGlu.
Molecular consequence: inframe indel.
Genome position (GRCh38, 1-based): chr13:23,335,474-23,335,488, TGTTGAACTGGTATG deleted on the plus strand (CATACCAGTTCAACA on the coding strand, the reverse complement: SACS is on the minus strand); deleting any 15 consecutive bases within chr13:23,335,474-23,335,489 gives the same sequence; the c. name uses the placement nearest the transcript's 3' end. VCF-style (leftmost placement, unchanged base first): chr13-23335473-TTGTTGAACTGGTATG-T. GRCh37 (hg19) VCF-style: chr13-23909612-TTGTTGAACTGGTATG-T.
Other names: c.7947_7961del, p.Asp2649_Gln2654delinsGlu (NM_001278055.2).
Identifiers: ClinVar variation 666053 (VCV000666053.7), dbSNP rs1593126382, ClinGen allele CA915946853.